The following is an entry in ClinVar:

ClinVar aggregate classification (germline): Likely benign (1 of 4 stars; one submission).

Allele frequency attached by ClinVar (database versions not stated): ExAC 0.00063; TOPMed 0.00073; gnomAD 0.00076; ESP Exome Variant Server 0.00108; gnomAD exomes 0.00173.
gnomAD v4.1: 2,580 of 1,613,998 alleles (0.16%); highest among the groups gnomAD compares: Non-Finnish European, 0.21%; 2 homozygotes.

Submission:

CeGaT Center for Human Genetics Tuebingen
Classification: Likely benign. Last evaluated: 2022-05-01. Review status: criteria provided, single submitter. Criteria: CeGaT Center For Human Genetics Tuebingen Variant Classification Criteria Version 2. Collection method: clinical testing. Allele origin: germline. Affected: yes. Observed: 1 variant allele.
Comment: CCPG1: BP4, BP7

NM_001204450.2(CCPG1):c.1299G>A (p.Glu433=)

Genes: CCPG1 (cell cycle progression 1; minus strand), DNAAF4-CCPG1 (DNAAF4-CCPG1 readthrough (NMD candidate); minus strand). Cytogenetic location: 15q21.3.
Variant type: single nucleotide variant.
Coding change: c.1299G>A on transcript NM_001204450.2 (MANE Select); coding-DNA position 1299, G replaced by A.
Protein change: p.Glu433=; no amino-acid change (glutamic acid 433 retained).
Molecular consequence: synonymous variant. On other transcripts: intron variant (1), non-coding transcript variant (1).
Genome position (GRCh38, 1-based): chr15:55,360,474, C>T on the plus strand (G>A on the coding strand, the complement: CCPG1 is on the minus strand). VCF-style: chr15-55360474-C-T. GRCh37 (hg19) VCF-style: chr15-55652672-C-T.
Other names: c.1299G>A, p.Glu433= (NM_004748.6, NM_020739.5); c.933+366G>A (NM_001204451.2).
Identifiers: ClinVar variation 2645365 (VCV002645365.24), dbSNP rs370202963, ClinGen allele CA7574300.